The following is an entry in ClinVar:

NM_001347969.2(ENOX1):c.1872G>A (p.Val624=)

Gene: ENOX1 (ecto-NOX disulfide-thiol exchanger 1; minus strand). Cytogenetic location: 13q14.11.
Variant type: single nucleotide variant.
Coding change: c.1872G>A on transcript NM_001347969.2 (MANE Select); coding-DNA position 1872, G replaced by A.
Protein change: p.Val624=; no amino-acid change (valine 624 retained).
Molecular consequence: synonymous variant.
Genome position (GRCh38, 1-based): chr13:43,214,050, C>T on the plus strand (G>A on the coding strand, the complement: ENOX1 is on the minus strand). VCF-style: chr13-43214050-C-T. GRCh37 (hg19) VCF-style: chr13-43788186-C-T.
Other names: c.1755G>A, p.Val585= (NM_001347971.2, NM_001347970.2); c.1872G>A, p.Val624= (NM_017993.5, NM_001127615.3, NM_001242863.3 and 5 more transcripts); c.1977G>A, p.Val659= (NM_001347963.2).
Identifiers: ClinVar variation 2643793 (VCV002643793.24), dbSNP rs2500730287, ClinGen allele CA483607630.

ClinVar aggregate classification (germline): Likely benign (1 of 4 stars; one submission).

Submission:

CeGaT Center for Human Genetics Tuebingen
Classification: Likely benign. Last evaluated: 2022-04-01. Review status: criteria provided, single submitter. Criteria: CeGaT Center For Human Genetics Tuebingen Variant Classification Criteria Version 2. Collection method: clinical testing. Allele origin: germline. Affected: yes. Observed: 1 variant allele.
Comment: ENOX1: PM2:Supporting, BP4, BP7